The following is an entry in ClinVar:

ClinVar aggregate classification (germline): Likely benign. Review status: criteria provided, multiple submitters, no conflicts (2 of 4 stars). 4 submissions from 4 submitters: Likely benign (3). 1 of the submissions does not count toward it. Last evaluated 2024-10-22.

Conditions:
TPM2-related disorder. Also called: TPM2-related disorders; TPM2-related condition.
Arthrogryposis, distal, type 1A. Also called: ARTHROGRYPOSIS MULTIPLEX CONGENITA, DISTAL, TYPE I. Identifiers: Orphanet 1146, MedGen C6022280, MONDO:0007157, OMIM 108120.

Allele frequency attached by ClinVar (database versions not stated): TOPMed 0.00001.

Submissions (4):

Mayo Clinic Laboratories, Mayo Clinic
Classification: Likely benign. Last evaluated: 2024-10-22. Review status: criteria provided, single submitter. Criteria: ACMG Guidelines, 2015. Collection method: clinical testing. Allele origin: germline. Observed: 1 variant allele.
Comment: BP4, BP7

Blueprint Genetics
Classification: Likely benign. Last evaluated: 2024-06-19. Review status: criteria provided, single submitter. Criteria: ACMG Guidelines, 2015. Collection method: clinical testing. Allele origin: germline.

Labcorp Genetics (formerly Invitae), Labcorp
Classification: Likely benign for Digitotalar dysmorphism. Last evaluated: 2023-01-28. Review status: criteria provided, single submitter. Criteria: Invitae Variant Classification Sherloc (09022015). Collection method: clinical testing. Allele origin: germline.

PreventionGenetics, part of Exact Sciences
Classification: Likely benign for TPM2-related condition. Last evaluated: 2019-02-19. Review status: no assertion criteria provided. Collection method: clinical testing. Allele origin: germline. Not counted in ClinVar's aggregate classification.
Comment: This variant is classified as likely benign based on ACMG/AMP sequence variant interpretation guidelines (Richards et al. 2015 PMID: 25741868, with internal and published modifications).

NM_003289.4(TPM2):c.114+10G>A

Gene: TPM2 (tropomyosin 2; minus strand). Cytogenetic location: 9p13.3.
Variant type: single nucleotide variant.
Coding change: c.114+10G>A on transcript NM_003289.4 (MANE Select); 10 bases into the intron after coding-DNA position 114, G replaced by A.
Molecular consequence: intron variant.
Genome position (GRCh38, 1-based): chr9:35,689,694, C>T on the plus strand (G>A on the coding strand, the complement: TPM2 is on the minus strand). VCF-style: chr9-35689694-C-T. GRCh37 (hg19) VCF-style: chr9-35689691-C-T.
Other names: p.?; c.114+10G>A (NM_213674.1, NM_001301226.2, NM_001301227.2 and 1 more transcripts).
Identifiers: ClinVar variation 1632708 (VCV001632708.12), dbSNP rs1416639797, ClinGen allele CA863584541.